The following is an entry in ClinVar:

NM_004963.4(GUCY2C):c.52G>T (p.Gly18Trp)

Genes: GUCY2C (guanylate cyclase 2C; minus strand), GUCY2C-AS1 (GUCY2C antisense RNA 1; plus strand). Cytogenetic location: 12p12.3.
Variant type: single nucleotide variant.
Coding change: c.52G>T on transcript NM_004963.4 (MANE Select); coding-DNA position 52, G replaced by T.
Protein change: p.Gly18Trp; replaces glycine 18 with tryptophan.
Molecular consequence: missense variant.
Genome position (GRCh38, 1-based): chr12:14,696,397, C>A on the plus strand (G>T on the coding strand, the complement: GUCY2C is on the minus strand). VCF-style: chr12-14696397-C-A. GRCh37 (hg19) VCF-style: chr12-14849331-C-A.
Other names: short protein forms G18W.
Identifiers: ClinVar variation 1974462 (VCV001974462.5), dbSNP rs780575858, ClinGen allele CA6463857.
Genomic context (GRCh38, chr12:14,696,397, plus strand): 5'-TGATTTCATAGCTGCCATTGTGGCAGTTCTGACTCACCTGGGAACTAAAGGACAGCCACC[C>A]GGGCTGGAAGAGCAGTGACCACAAAGCCAAGTCCAACAGCAACGTCTTCATGACCCCAAT-3'
Protein context (NP_004954.2, residues 8-28): LALWSLLFQP[Gly18Trp]WLSFSSQVSQ

ClinVar aggregate classification (germline): Uncertain significance (1 of 4 stars; one submission).

gnomAD v4.1: 13 of 1,613,968 alleles (0.00081%); highest among the groups gnomAD compares: Non-Finnish European, 0.001%; no homozygotes.

Submission:

Labcorp Genetics (formerly Invitae), Labcorp
Classification: Uncertain significance. Last evaluated: 2022-11-23. Review status: criteria provided, single submitter. Criteria: Invitae Variant Classification Sherloc (09022015). Collection method: clinical testing. Allele origin: germline.
Comment: This sequence change replaces glycine, which is neutral and non-polar, with tryptophan, which is neutral and slightly polar, at codon 18 of the GUCY2C protein (p.Gly18Trp). This variant is present in population databases (rs780575858, gnomAD 0.002%). This variant has not been reported in the literature in individuals affected with GUCY2C-related conditions. Algorithms developed to predict the effect of missense changes on protein structure and function are either unavailable or do not agree on the potential impact of this missense change (SIFT: "Deleterious"; PolyPhen-2: "Benign"; Align-GVGD: "Class C0"). In summary, the available evidence is currently insufficient to determine the role of this variant in disease. Therefore, it has been classified as a Variant of Uncertain Significance.